The following is an entry in ClinVar:

ClinVar aggregate classification (germline): Conflicting classifications of pathogenicity. Review status: criteria provided, conflicting classifications (1 of 4 stars). 11 submissions from 11 submitters: Uncertain significance (7); Likely benign (1). 3 of the submissions do not count toward it. Last evaluated 2026-01-30.

Conditions:
BRCA2-related disorder. Also called: BRCA2-related condition; BRCA2-related disorders. Identifiers: MedGen CN239275.
Hereditary cancer-predisposing syndrome. Also called: Hereditary Cancer Syndrome; Neoplastic Syndromes, Hereditary; Hereditary neoplastic syndrome; Tumor predisposition. Identifiers: Orphanet 140162, MedGen C0027672, MeSH D009386, MONDO:0015356.
Hereditary breast ovarian cancer syndrome. Also called: Hereditary breast and ovarian cancer syndrome; Breast and ovarian cancer; BRCA1- and BRCA2-Associated Hereditary Breast and Ovarian Cancer; Hereditary breast and/or ovarian cancer syndrome; Hereditary breast and ovarian cancer; Hereditary breast and ovarian cancer syndrome (HBOC). Identifiers: Orphanet 145, MedGen C0677776, MeSH D061325, MONDO:0003582. Disease mechanism: loss of function.
Breast-ovarian cancer, familial, susceptibility to, 2 (BROVCA2). Also called: BRCA2 Hereditary Breast and Ovarian Cancer. Identifiers: Orphanet 145, MedGen C2675520, MONDO:0012933, OMIM 612555. Disease mechanism: loss of function.
Familial cancer of breast. Also called: hereditary breast carcinoma; BREAST CANCER, FAMILIAL; Hereditary breast cancer. Identifiers: Orphanet 227535, MedGen C0346153, MONDO:0016419, OMIM 114480. Disease mechanism: loss of function.
Malignant tumor of breast. Also called: Malignant breast neoplasm; Cancer breast. Identifiers: MedGen C0006142, MONDO:0007254. Disease mechanism: loss of function.

Submissions 1 to 10 of 11:

PreventionGenetics, part of Exact Sciences
Classification: Uncertain significance for BRCA2-related condition. Last evaluated: 2026-01-30. Review status: criteria provided, single submitter. Criteria: ACMG Guidelines, 2015. Collection method: clinical testing. Allele origin: germline.
Comment: The BRCA2 c.5218_5223del6 variant is predicted to result in an in-frame deletion (p.Leu1740_Ser1741del). This variant has been reported in individuals with a personal and/or family history of breast cancer (Kwong et al. 2012. PubMed ID: 22970155; Li et al. 2017. PubMed ID: 28664449; Supplemental Data 2, Gao et al. 2019. PubMed ID: 31825140; Table S1, Kwong et al. 2015. PubMed ID: 26187060). It has also been detected in a cohort of individuals with gastric cancer (Table S1, Zhang et al. 2023. PubMed ID: 36627197). This variant is reported in 0.030% of alleles in individuals of East Asian descent in gnomAD and has conflicting interpretations in ClinVar ranging from uncertain significance to likely benign (Variation ID: 51824). At this time, the clinical significance of this variant is uncertain due to the absence of conclusive functional and genetic evidence.

Labcorp Genetics (formerly Invitae), Labcorp
Classification: Uncertain significance for Hereditary breast ovarian cancer syndrome. Last evaluated: 2025-10-27. Review status: criteria provided, single submitter. Criteria: Invitae Variant Classification Sherloc (09022015). Collection method: clinical testing. Allele origin: germline.
Comment: This variant, c.5218_5223del, results in the deletion of 2 amino acid(s) of the BRCA2 protein (p.Leu1740_Ser1741del), but otherwise preserves the integrity of the reading frame. This variant is present in population databases (rs757271988, gnomAD 0.03%). This variant has been observed in individual(s) with personal and/or family history of breast and/or ovarian cancer (PMID: 22970155, 26187060, 31825140, 34235180). ClinVar contains an entry for this variant (Variation ID: 51824). Experimental studies and prediction algorithms are not available or were not evaluated, and the functional significance of this variant is currently unknown. In summary, the available evidence is currently insufficient to determine the role of this variant in disease. Therefore, it has been classified as a Variant of Uncertain Significance.

Women's Health and Genetics/Laboratory Corporation of America, LabCorp
Classification: Uncertain significance. Last evaluated: 2025-05-02. Review status: criteria provided, single submitter. Criteria: LabCorp Variant Classification Summary - May 2015. Collection method: clinical testing. Allele origin: germline.
Comment: Variant summary: BRCA2 c.5218_5223delTTAAGT (p.Leu1740_Ser1741del) results in an in-frame deletion that is predicted to remove two amino acids from the encoded protein. The variant allele was found at a frequency of 2.8e-05 in 250239 control chromosomes (gnomad v2 Database, Chian_2021). The available data on variant occurrences in the general population are insufficient to allow any conclusion about variant significance. c.5218_5223delTTAAGT has been observed in individuals affected with breast cancer, gastric cancer, or thoracic cancer without strong evidence for causality (e.g. Kwong_2012, Kurian_2008, Kwong_2016, Li_2017, Zhang_2023, Tsang_2023, Sukpan_2023). These report(s) do not provide unequivocal conclusions about association of the variant with Hereditary Breast And Ovarian Cancer Syndrome. To our knowledge, no experimental evidence demonstrating an impact on protein function has been reported. The following publications have been ascertained in the context of this evaluation (PMID: 34235180, 18779604, 22970155, 27157322, 28664449, 38003901, 36964191, 36627197). ClinVar contains an entry for this variant (Variation ID: 51824). Based on the evidence outlined above, the variant was classified as uncertain significance.

Color Diagnostics, LLC DBA Color Health
Classification: Likely benign for Hereditary cancer-predisposing syndrome. Last evaluated: 2024-09-05. Review status: criteria provided, single submitter. Criteria: ACMG Guidelines, 2015. Collection method: clinical testing. Allele origin: germline.

Ambry Genetics
Classification: Uncertain significance for Hereditary cancer-predisposing syndrome. Last evaluated: 2024-02-20. Review status: criteria provided, single submitter. Criteria: Ambry Variant Classification Scheme 2023. Collection method: clinical testing. Allele origin: germline.
Comment: The c.5218_5223delTTAAGT variant (also known as p.L1740_S1741del) is located in coding exon 10 of the BRCA2 gene. This variant results from an in-frame TTAAGT deletion at nucleotide positions 5218 to 5223. This results in the in-frame deletion of a at codon 1740. This alteration has been reported in high-risk breast and/or ovarian cancer patients, predominantly of Asian descent (Kurian AW et al. J. Clin. Oncol. 2008 Oct;26(29):4752-8; Kwong A et al. PLoS One. 2012; 7(9):e43994; Li G et al. J. Cancer Res. Clin. Oncol. 2017 Oct;143(10):2011-2024; Bhaskaran SP et al. Int J Cancer, 2019 08;145:962-973; Lerner-Ellis J et al. J Cancer Res Clin Oncol, 2021 Mar;147:871-879; Sukpan P et al. J Pers Med, 2023 Nov;13). These deleted amino acids are not well conserved in available vertebrate species. In addition, this alteration is predicted to be deleterious by in silico analysis (Choi Y et al. PLoS ONE. 2012; 7(10):e46688). Based on the available evidence, the clinical significance of this alteration remains unclear.

Quest Diagnostics Nichols Institute San Juan Capistrano
Classification: Uncertain significance. Last evaluated: 2023-11-30. Review status: criteria provided, single submitter. Criteria: Quest Diagnostics criteria. Collection method: clinical testing. Allele origin: unknown.
Comment: The BRCA2 c.5218_5223del (p.Leu1740_Ser1741del) variant has been reported in the published literature in individuals who were at high-risk breast and/or ovarian cancer (PMID: 18779604 (2008), 22970155 (2012)), and in individuals with breast cancer (PMID: 28664449 (2017), 38003901 (2023)), gastric cancer (PMID: 36627197 (2023)), and thoratic cancer (PMID: 36964191 (2023)). The frequency of this variant in the general population, 0.0003 (6/19916 chromosomes (Genome Aggregation Database)), is uninformative in the assessment of its pathogenicity. Based on the available information, we are unable to determine the clinical significance of this variant.

Baylor Genetics
Classification: Uncertain significance for Familial cancer of breast. Last evaluated: 2023-08-08. Review status: criteria provided, single submitter. Criteria: ACMG Guidelines, 2015. Collection method: clinical testing. Allele origin: unknown.

GeneDx
Classification: Uncertain significance. Last evaluated: 2022-12-12. Review status: criteria provided, single submitter. Criteria: GeneDx Variant Classification Process June 2021. Collection method: clinical testing. Allele origin: germline. Affected: yes.
Comment: In-frame deletion of 2 amino acids in a non-repeat region; In silico analysis supports a deleterious effect on protein structure/function; Identified in individuals with breast cancer or other history meeting BRCA1/2 testing criteria, but also reported in individuals without a personal history of cancer (Kwong et al., 2012; Kurian et al., 2008; Li et al., 2017; Dong et al., 2021); Also known as 5446_5451delTTAAGT; This variant is associated with the following publications: (PMID: 28664449, 26635394, 22970155, 18779604, 27157322, 28726806, 26187060, 30702160, 31825140, 32467295)

Counsyl
Classification: Uncertain significance for Breast-ovarian cancer, familial, susceptibility to, 2. Last evaluated: 2015-12-16. Review status: no assertion criteria provided. Collection method: clinical testing. Allele origin: unknown. Not counted in ClinVar's aggregate classification.

Breast Cancer Information Core (BIC) (BRCA2)
Classification: Uncertain significance for Breast-ovarian cancer, familial 2. Last evaluated: 2013-02-20. Review status: no assertion criteria provided. Collection method: clinical testing. Allele origin: somatic. Affected: yes. Observed: 1 variant allele. Not counted in ClinVar's aggregate classification.

NM_000059.4(BRCA2):c.5218_5223del (p.Leu1740_Ser1741del)

Gene: BRCA2 (BRCA2 DNA repair associated; plus strand). Cytogenetic location: 13q13.1.
Variant type: Deletion.
Coding change: c.5218_5223del on transcript NM_000059.4 (MANE Select); coding-DNA positions 5218 to 5223, 6 bases deleted (TTAAGT; older notation c.5218_5223delTTAAGT).
Protein change: p.Leu1740_Ser1741del.
Molecular consequence: inframe deletion.
Genome position (GRCh38, 1-based): chr13:32,339,573-32,339,578, TTAAGT deleted; deleting any 6 consecutive bases within chr13:32,339,572-32,339,578 gives the same sequence; the c. name uses the placement nearest the transcript's 3' end. VCF-style (leftmost placement, unchanged base first): chr13-32339571-ATTTAAG-A. GRCh37 (hg19) VCF-style: chr13-32913708-ATTTAAG-A.
Other names: L1740del2; c.5218_5223delTTAAGT (NM_000059.3).
Identifiers: ClinVar variation 51824 (VCV000051824.33), dbSNP rs397507775, ClinGen allele CA021754.
Genomic context (GRCh38, chr13:32,339,571, plus strand): 5'-ATTCAAACAGTACTATAGCTGAAAATGACAAAAATCATCTCTCCGAAAAACAAGATACTT[ATTTAAG>A]TAACAGTAGCATGTCTAACAGCTATTCCTACCATTCTGATGAGGTATATAATGATTCAGG-3'